The following is an entry in ClinVar:

NM_002485.5(NBN):c.1845+2T>C

Gene: NBN (nibrin; minus strand). Cytogenetic location: 8q21.3.
Variant type: single nucleotide variant.
Coding change: c.1845+2T>C on transcript NM_002485.5 (MANE Select); the canonical splice donor site of the intron after coding-DNA position 1845, T replaced by C.
Molecular consequence: splice donor variant.
Genome position (GRCh38, 1-based): chr8:89,953,242, A>G on the plus strand (T>C on the coding strand, the complement: NBN is on the minus strand). VCF-style: chr8-89953242-A-G. GRCh37 (hg19) VCF-style: chr8-90965470-A-G.
Other names: c.1599+2T>C (NM_001024688.3).
Identifiers: ClinVar variation 646466 (VCV000646466.7), dbSNP rs1586052622, ClinGen allele CA371654955.
Genomic context (GRCh38, chr8:89,953,242, plus strand): 5'-AAAGTACCTGTTAGCATTCTAAGCTTCTATGTACTATACCTCTCATTTAAAATGTTACTT[A>G]CAGATATTTTGCTACTTTCTGGTACTGCTTCATCACTGAAAGTGTCATTTGTTTCTATAT-3'

ClinVar aggregate classification (germline): Likely pathogenic (1 of 4 stars; one submission).

Conditions:
Microcephaly, normal intelligence and immunodeficiency (NBS). Also called: IMMUNODEFICIENCY, MICROCEPHALY, AND CHROMOSOMAL INSTABILITY; Immunodeficiency, microcephaly with normal intelligence; SEEMANOVA SYNDROME II; Ataxia telangiectasia variant V1; Microcephaly with normal intelligence immunodeficiency and lymphoreticular malignancies; Nonsyndromal microcephaly autosomal recessive with normal intelligence. Identifiers: Orphanet 647, MedGen C0398791, MONDO:0009623, OMIM 251260.

Submission:

Labcorp Genetics (formerly Invitae), Labcorp
Classification: Likely pathogenic for Microcephaly, normal intelligence and immunodeficiency. Last evaluated: 2021-12-08. Review status: criteria provided, single submitter. Criteria: Invitae Variant Classification Sherloc (09022015). Collection method: clinical testing. Allele origin: germline.
Comment: In summary, the currently available evidence indicates that the variant is pathogenic, but additional data are needed to prove that conclusively. Therefore, this variant has been classified as Likely Pathogenic. This sequence change affects a donor splice site in intron 11 of the NBN gene. It is expected to disrupt RNA splicing. Variants that disrupt the donor or acceptor splice site typically lead to a loss of protein function (PMID: 16199547), and loss-of-function variants in NBN are known to be pathogenic (PMID: 9590180, 16415040). This variant is not present in population databases (gnomAD no frequency). This variant has not been reported in the literature in individuals affected with NBN-related conditions. ClinVar contains an entry for this variant (Variation ID: 646466). Algorithms developed to predict the effect of sequence changes on RNA splicing suggest that this variant may disrupt the consensus splice site.

Literature cited by the submitters: PubMed 16199547; PubMed 9590180; PubMed 16415040.